The following is an entry in ClinVar:

ClinVar aggregate classification (germline): Pathogenic (1 of 4 stars; one submission).

Conditions:
Ataxia-telangiectasia syndrome (AT). Also called: LOUIS-BAR SYNDROME; Cerebello-oculocutaneous telangiectasia; Immunodeficiency with ataxia telangiectasia; AT, COMPLEMENTATION GROUP C; Ataxia-telangiectasia, complementation group D; ATAXIA-TELANGIECTASIA, COMPLEMENTATION GROUP A. Identifiers: Orphanet 100, MedGen C0004135, MONDO:0008840, OMIM 208900.

Submission:

Labcorp Genetics (formerly Invitae), Labcorp
Classification: Pathogenic for Ataxia-telangiectasia syndrome. Last evaluated: 2023-05-28. Review status: criteria provided, single submitter. Criteria: Invitae Variant Classification Sherloc (09022015). Collection method: clinical testing. Allele origin: unknown.
Comment: For these reasons, this variant has been classified as Pathogenic. This variant disrupts a region of the ATM protein in which other variant(s) (p.Asp2016Gly) have been determined to be pathogenic (PMID: 18634022, 21965147, 28120234, 31741144). This suggests that this is a clinically significant region of the protein, and that variants that disrupt it are likely to be disease-causing. This variant has not been reported in the literature in individuals affected with ATM-related conditions. This variant is a gross deletion of the genomic region encompassing exon(s) 41-46 of the ATM gene. This variant would be expected to be in-frame, preserving the integrity of the reading frame.

Literature cited by the submitters: PubMed 18634022; PubMed 21965147; PubMed 28120234; PubMed 31741144.

NC_000011.9:g.(?_108186540)_(108196281_?)del

Gene: ATM (ATM serine/threonine kinase; plus strand). Cytogenetic location: 11q22.3.
Variant type: Deletion.
Identifiers: ClinVar variation 3244480 (VCV003244480.1).